The following is an entry in ClinVar:

NM_004667.6(HERC2):c.14307C>A (p.Pro4769=)

Gene: HERC2 (HECT and RLD domain containing E3 ubiquitin protein ligase 2; minus strand). Cytogenetic location: 15q13.1.
Variant type: single nucleotide variant.
Coding change: c.14307C>A on transcript NM_004667.6 (MANE Select); coding-DNA position 14307, C replaced by A.
Protein change: p.Pro4769=; no amino-acid change (proline 4769 retained).
Molecular consequence: synonymous variant.
Genome position (GRCh38, 1-based): chr15:28,111,961, G>T on the plus strand (C>A on the coding strand, the complement: HERC2 is on the minus strand). VCF-style: chr15-28111961-G-T. GRCh37 (hg19) VCF-style: chr15-28357107-G-T.
Identifiers: ClinVar variation 3771021 (VCV003771021.13).

ClinVar aggregate classification (germline): Likely benign (1 of 4 stars; one submission).

gnomAD v4.1: 501 of 1,614,114 alleles (0.031%); highest among the groups gnomAD compares: East Asian, 1.1%; 5 homozygotes.

Submission:

CeGaT Center for Human Genetics Tuebingen
Classification: Likely benign. Last evaluated: 2025-02-01. Review status: criteria provided, single submitter. Criteria: CeGaT Center For Human Genetics Tuebingen Variant Classification Criteria Version 2. Collection method: clinical testing. Allele origin: germline. Affected: yes. Observed: 1 variant allele.
Comment: HERC2: BP4, BS1